The following is an entry in ClinVar:

NM_001354604.2(MITF):c.598G>A (p.Glu200Lys)

Gene: MITF (melanocyte inducing transcription factor; plus strand). Cytogenetic location: 3p13.
Variant type: single nucleotide variant.
Coding change: c.598G>A on transcript NM_001354604.2 (MANE Select); coding-DNA position 598, G replaced by A.
Protein change: p.Glu200Lys; replaces glutamic acid 200 with lysine.
Molecular consequence: missense variant.
Genome position (GRCh38, 1-based): chr3:69,939,113, G>A. VCF-style: chr3-69939113-G-A. GRCh37 (hg19) VCF-style: chr3-69988264-G-A.
Other names: c.277G>A, p.Glu93Lys (NM_000248.4, NM_198158.3); c.442G>A, p.Glu148Lys (NM_001184967.2, NM_001354608.2); c.595G>A, p.Glu199Lys (NM_001354605.2, NM_001354606.2, NM_006722.3); c.547G>A, p.Glu183Lys (NM_001354607.2); c.598G>A, p.Glu200Lys (NM_198159.3); c.550G>A, p.Glu184Lys (NM_198177.3); c.109G>A, p.Glu37Lys (NM_198178.3); short protein forms E37K, E93K, E148K, E183K, E199K, E184K, E200K.
Identifiers: ClinVar variation 2946571 (VCV002946571.3), dbSNP rs965705838, ClinGen allele CA77000667.

ClinVar aggregate classification (germline): Uncertain significance (1 of 4 stars; one submission).

Conditions:
Tietz syndrome (TADS). Also called: ALBINISM-DEAFNESS OF TIETZ; HYPOPIGMENTATION/DEAFNESS OF TIETZ; TIETZ ALBINISM-DEAFNESS SYNDROME. Identifiers: Orphanet 42665, MedGen C0391816, MONDO:0007077, OMIM 103500.
Waardenburg syndrome type 2A (WS2A). Also called: WAARDENBURG SYNDROME WITHOUT DYSTOPIA CANTHORUM. Identifiers: Orphanet 3440, MedGen C1860339, MONDO:0008671, OMIM 193510.
Melanoma, cutaneous malignant, susceptibility to, 8. Also called: MELANOMA AND RENAL CELL CARCINOMA, SUSCEPTIBILITY TO; Cutaneous malignant melanoma 8. Identifiers: Orphanet 293822, MedGen C3152204, MONDO:0013759, OMIM 614456.

Submission:

Labcorp Genetics (formerly Invitae), Labcorp
Classification: Uncertain significance for Melanoma, cutaneous malignant, susceptibility to, 8; Waardenburg syndrome type 2A; Tietz syndrome. Last evaluated: 2024-01-25. Review status: criteria provided, single submitter. Criteria: Invitae Variant Classification Sherloc (09022015). Collection method: clinical testing. Allele origin: germline.
Comment: This sequence change replaces glutamic acid, which is acidic and polar, with lysine, which is basic and polar, at codon 93 of the MITF protein (p.Glu93Lys). This variant is not present in population databases (gnomAD no frequency). This variant has not been reported in the literature in individuals affected with MITF-related conditions. An algorithm developed to predict the effect of missense changes on protein structure and function (PolyPhen-2) suggests that this variant is likely to be tolerated. Algorithms developed to predict the effect of sequence changes on RNA splicing suggest that this variant may disrupt the consensus splice site. In summary, the available evidence is currently insufficient to determine the role of this variant in disease. Therefore, it has been classified as a Variant of Uncertain Significance.